The following is an entry in ClinVar:

ClinVar aggregate classification (germline): Uncertain significance (1 of 4 stars; one submission).

Allele frequency attached by ClinVar (database versions not stated): ExAC 0.00001; gnomAD exomes 0.00001; ESP Exome Variant Server 0.00008.
gnomAD v4.1: 13 of 1,613,940 alleles (0.00081%); highest among the groups gnomAD compares: Non-Finnish European, 0.0011%; no homozygotes.

Submission:

Labcorp Genetics (formerly Invitae), Labcorp
Classification: Uncertain significance. Last evaluated: 2025-03-23. Review status: criteria provided, single submitter. Criteria: Invitae Variant Classification Sherloc (09022015). Collection method: clinical testing. Allele origin: germline.
Comment: This sequence change replaces proline, which is neutral and non-polar, with leucine, which is neutral and non-polar, at codon 908 of the NALCN protein (p.Pro908Leu). This variant is present in population databases (rs370644253, gnomAD 0.002%). This missense change has been observed in individual(s) with clinical features of autosomal recessive Infantile neuroaxonal dystrophy (PMID: 29610177). In at least one individual the data is consistent with being in trans (on the opposite chromosome) from a pathogenic variant. It has also been observed to segregate with disease in related individuals. ClinVar contains an entry for this variant (Variation ID: 2152196). Invitae Evidence Modeling of protein sequence and biophysical properties (such as structural, functional, and spatial information, amino acid conservation, physicochemical variation, residue mobility, and thermodynamic stability) indicates that this missense variant is not expected to disrupt NALCN protein function with a negative predictive value of 80%. In summary, the available evidence is currently insufficient to determine the role of this variant in disease. Therefore, it has been classified as a Variant of Uncertain Significance.

Literature cited by the submitters: PubMed 29610177.

NM_052867.4(NALCN):c.2723C>T (p.Pro908Leu)

Gene: NALCN (sodium leak channel, non-selective; minus strand). Cytogenetic location: 13q33.1.
Variant type: single nucleotide variant.
Coding change: c.2723C>T on transcript NM_052867.4 (MANE Select); coding-DNA position 2723, C replaced by T.
Protein change: p.Pro908Leu; replaces proline 908 with leucine.
Molecular consequence: missense variant.
Genome position (GRCh38, 1-based): chr13:101,104,564, G>A on the plus strand (C>T on the coding strand, the complement: NALCN is on the minus strand). VCF-style: chr13-101104564-G-A. GRCh37 (hg19) VCF-style: chr13-101756915-G-A.
Other names: c.2810C>T, p.Pro937Leu (NM_001350748.2); c.2723C>T, p.Pro908Leu (NM_001350749.2); c.2636C>T, p.Pro879Leu (NM_001350750.2, NM_001350751.2); short protein forms P879L, P937L, P908L.
Identifiers: ClinVar variation 2152196 (VCV002152196.4), dbSNP rs370644253, ClinGen allele CA7035610.